The following is an entry in ClinVar:

ClinVar aggregate classification (germline): Likely benign. Review status: criteria provided, multiple submitters, no conflicts (2 of 4 stars). 3 submissions from 3 submitters: Likely benign (2). 1 of the submissions does not count toward it. Last evaluated 2025-10-01.

Conditions:
AFF3-related disorder. Also called: AFF3-related condition.

Allele frequency attached by ClinVar (database versions not stated): TOPMed 0.00008; gnomAD exomes 0.00014; gnomAD 0.00015; ExAC 0.00017; 1000 Genomes Project 30x 0.00031.
gnomAD v4.1: 192 of 1,424,604 alleles (0.013%); highest among the groups gnomAD compares: East Asian, 0.18%; 1 homozygote.

Submissions (3):

CeGaT Center for Human Genetics Tuebingen
Classification: Likely benign. Last evaluated: 2025-10-01. Review status: criteria provided, single submitter. Criteria: CeGaT Center For Human Genetics Tuebingen Variant Classification Criteria Version 2. Collection method: clinical testing. Allele origin: germline. Affected: yes. Observed: 2 variant alleles.
Comment: AFF3: BP4, BP7

Blueprint Genetics
Classification: Likely benign. Last evaluated: 2024-10-03. Review status: criteria provided, single submitter. Criteria: ACMG Guidelines, 2015. Collection method: clinical testing. Allele origin: germline.

PreventionGenetics, part of Exact Sciences
Classification: Likely benign for AFF3-related condition. Last evaluated: 2019-06-03. Review status: no assertion criteria provided. Collection method: clinical testing. Allele origin: germline. Not counted in ClinVar's aggregate classification.
Comment: This variant is classified as likely benign based on ACMG/AMP sequence variant interpretation guidelines (Richards et al. 2015 PMID: 25741868, with internal and published modifications).

NM_001386135.1(AFF3):c.1722C>T (p.Asn574=)

Gene: AFF3 (ALF transcription elongation factor 3; minus strand). Cytogenetic location: 2q11.2.
Variant type: single nucleotide variant.
Coding change: c.1722C>T on transcript NM_001386135.1 (MANE Select); coding-DNA position 1722, C replaced by T.
Protein change: p.Asn574=; no amino-acid change (asparagine 574 retained).
Molecular consequence: synonymous variant.
Genome position (GRCh38, 1-based): chr2:99,593,939, G>A on the plus strand (C>T on the coding strand, the complement: AFF3 is on the minus strand). VCF-style: chr2-99593939-G-A. GRCh37 (hg19) VCF-style: chr2-100210401-G-A.
Other names: c.1722C>T (NM_002285.2); c.1797C>T, p.Asn599= (NM_001025108.2); c.1722C>T, p.Asn574= (NM_002285.3).
Identifiers: ClinVar variation 2651188 (VCV002651188.26), dbSNP rs771387532, ClinGen allele CA1801061.
Genomic context (GRCh38, chr2:99,593,939, plus strand): 5'-GGTCCTCTCGGTGCGCCTGGTGGGCTTCTTGCCCGCGGACCTCCGGGCAGGCGCGGGCGC[G>A]TTCTCCGCGGGCGCACAGGGCACTGCGGGTGGCGGGGCGGCTGCGCTCACCGCCACGGCC-3'
Protein context (NP_001373064.1, residues 564-584): PPAVPCAPAE[Asn574=]APAPARRSAG